The following is an entry in ClinVar:

ClinVar aggregate classification (germline): Conflicting classifications of pathogenicity. Review status: criteria provided, conflicting classifications (1 of 4 stars). 2 submissions from 2 submitters: Pathogenic (1); Uncertain significance (1). Last evaluated 2025-03-26.

Conditions:
Neurofibromatosis, type 1 (NF1). Also called: VON RECKLINGHAUSEN DISEASE; Neurofibromatosis, type I; Peripheral type neurofibromatosis; NEUROFIBROMATOSIS, TYPE I, SOMATIC. Identifiers: Orphanet 636, MedGen C0027831, MONDO:0018975, OMIM 162200. Disease mechanism: loss of function.

Submissions (2):

Labcorp Genetics (formerly Invitae), Labcorp
Classification: Pathogenic for Neurofibromatosis, type 1. Last evaluated: 2025-03-26. Review status: criteria provided, single submitter. Criteria: Invitae Variant Classification Sherloc (09022015). Collection method: clinical testing. Allele origin: germline.
Comment: This sequence change replaces leucine, which is neutral and non-polar, with arginine, which is basic and polar, at codon 529 of the NF1 protein (p.Leu529Arg). This variant is not present in population databases (gnomAD no frequency). This missense change has been observed in individual(s) with neurofibromatosis, type 1 (internal data). ClinVar contains an entry for this variant (Variation ID: 2854934). Invitae Evidence Modeling of protein sequence and biophysical properties (such as structural, functional, and spatial information, amino acid conservation, physicochemical variation, residue mobility, and thermodynamic stability) indicates that this missense variant is expected to disrupt NF1 protein function with a positive predictive value of 95%. This variant disrupts the p.Leu529 amino acid residue in NF1. Other variant(s) that disrupt this residue have been determined to be pathogenic (PMID: 28961165, 31717729; internal data). This suggests that this residue is clinically significant, and that variants that disrupt this residue are likely to be disease-causing. For these reasons, this variant has been classified as Pathogenic.

GeneDx
Classification: Uncertain significance. Last evaluated: 2024-06-26. Review status: criteria provided, single submitter. Criteria: GeneDx Variant Classification Process June 2021. Collection method: clinical testing. Allele origin: germline. Affected: yes.
Comment: Not observed at significant frequency in large population cohorts (gnomAD); In silico analysis supports that this missense variant has a deleterious effect on protein structure/function; Has not been previously published as pathogenic or benign to our knowledge

Literature cited by the submitters: PubMed 28961165 (cited by Labcorp Genetics (formerly Invitae), Labcorp); PubMed 31717729 (cited by Labcorp Genetics (formerly Invitae), Labcorp).

NM_001042492.3(NF1):c.1586T>G (p.Leu529Arg)

Gene: NF1 (neurofibromin 1; plus strand). Cytogenetic location: 17q11.2.
Variant type: single nucleotide variant.
Coding change: c.1586T>G on transcript NM_001042492.3 (MANE Select); coding-DNA position 1586, T replaced by G.
Protein change: p.Leu529Arg; replaces leucine 529 with arginine.
Molecular consequence: missense variant.
Genome position (GRCh38, 1-based): chr17:31,219,063, T>G. VCF-style: chr17-31219063-T-G. GRCh37 (hg19) VCF-style: chr17-29546081-T-G.
Other names: c.1586T>G, p.Leu529Arg (NM_000267.4, NM_001128147.3); short protein forms L529R.
Identifiers: ClinVar variation 2854934 (VCV002854934.4), dbSNP rs2143986529, ClinGen allele CA399001941.